The following is an entry in ClinVar:

NM_018238.4(AGK):c.25C>T (p.Arg9Ter)

Gene: AGK (acylglycerol kinase; plus strand). Cytogenetic location: 7q34.
Variant type: single nucleotide variant.
Coding change: c.25C>T on transcript NM_018238.4 (MANE Select); coding-DNA position 25, C replaced by T.
Protein change: p.Arg9Ter; replaces arginine 9 with a stop codon.
Molecular consequence: nonsense.
Genome position (GRCh38, 1-based): chr7:141,555,491, C>T. VCF-style: chr7-141555491-C-T. GRCh37 (hg19) VCF-style: chr7-141255291-C-T.
Other names: c.25C>T, p.Arg9Ter (NM_001364948.3); short protein forms R9*.
Identifiers: ClinVar variation 2931348 (VCV002931348.3), dbSNP rs139967538, ClinGen allele CA4517268.
Genomic context (GRCh38, chr7:141,555,491, plus strand): 5'-CTTTCCGCCTCTACTAACCTAGCAAATCTCTAGAAGATGACGGTGTTCTTTAAAACGCTT[C>T]GAAATCACTGGAAGAAAACTACAGCTGGGCTCTGCCTGCTGACCTGGGGAGGCCATTGGC-3'

ClinVar aggregate classification (germline): Pathogenic (1 of 4 stars; one submission).

Conditions:
Cataract 38. Also called: Cataract, autosomal recessive congenital 5; Cataract 38, autosomal recessive. Identifiers: Orphanet 91492, MedGen C3553494, MONDO:0013859, OMIM 614691.
Sengers syndrome. Also called: MITOCHONDRIAL DNA DEPLETION SYNDROME 10 (CARDIOMYOPATHIC TYPE); Cardiomyopathy and cataract. Identifiers: Orphanet 1369, MedGen C1859317, MONDO:0008922, OMIM 212350.

Allele frequency attached by ClinVar (database versions not stated): ExAC 0.00002; TOPMed 0.00003; gnomAD 0.00005; ESP Exome Variant Server 0.00008.
gnomAD v4.1: 18 of 1,613,888 alleles (0.0011%); highest among the groups gnomAD compares: African/African-American, 0.011%; no homozygotes.

Submission:

Labcorp Genetics (formerly Invitae), Labcorp
Classification: Pathogenic for Sengers syndrome; Cataract 38. Last evaluated: 2025-07-30. Review status: criteria provided, single submitter. Criteria: Invitae Variant Classification Sherloc (09022015). Collection method: clinical testing. Allele origin: germline.
Comment: This sequence change creates a premature translational stop signal (p.Arg9*) in the AGK gene. It is expected to result in an absent or disrupted protein product. Loss-of-function variants in AGK are known to be pathogenic (PMID: 22284826). This variant is present in population databases (rs139967538, gnomAD 0.01%). This variant has not been reported in the literature in individuals affected with AGK-related conditions. ClinVar contains an entry for this variant (Variation ID: 2931348). For these reasons, this variant has been classified as Pathogenic.

Literature cited by the submitters: PubMed 22284826.